The following is an entry in ClinVar:

ClinVar aggregate classification (germline): Uncertain significance (1 of 4 stars; one submission).

Conditions:
Hereditary cancer-predisposing syndrome. Also called: Tumor predisposition; Hereditary Cancer Syndrome; Neoplastic Syndromes, Hereditary; Hereditary neoplastic syndrome. Identifiers: Orphanet 140162, MedGen C0027672, MeSH D009386, MONDO:0015356.

Submission:

Ambry Genetics
Classification: Uncertain significance for Hereditary cancer-predisposing syndrome. Last evaluated: 2024-10-02. Review status: criteria provided, single submitter. Criteria: Ambry Variant Classification Scheme 2023. Collection method: clinical testing. Allele origin: germline.
Comment: The c.151-11_151-10insGAGA intronic variant, results from an insertion of 4 nucleotides between nucleotide positions 151-11 and 151-10 in intron 1 before coding exon 2 of the CDKN2A gene. Of note, this alteration is also known as c.194-11_194-10insGAGA in the p14(ARF) isoform. This variant has been observed in at least one individual with a personal and/or family history that is consistent with CDKN2A-associated disease (Ambry internal data). In silico splice site analysis for this alteration is inconclusive; and direct evidence is insufficient at this time (Ambry internal data). Based on the available evidence, the clinical significance of this variant remains unclear.

NM_000077.5(CDKN2A):c.151-11_151-10insGAGA

Gene: CDKN2A (cyclin dependent kinase inhibitor 2A; minus strand). Cytogenetic location: 9p21.3.
Variant type: Insertion.
Coding change: c.151-11_151-10insGAGA on transcript NM_000077.5 (MANE Select); 11 bases into the intron before coding-DNA position 151 through 10 bases into the intron before coding-DNA position 151, GAGA inserted.
Molecular consequence: intron variant.
Genome position: GRCh38 VCF-style: chr9-21971218-A-ATCTC. GRCh37 (hg19) VCF-style: chr9-21971217-A-ATCTC.
Other names: c.-3-11_-3-10insGAGA (NM_001363763.2); c.194-11_194-10insGAGA (NM_058195.4); c.151-11_151-10insGAGA (NM_001195132.2); c.*74-11_*74-10insGAGA (NM_058197.5).
Identifiers: ClinVar variation 3489672 (VCV003489672.1).